The following is an entry in ClinVar:

ClinVar aggregate classification (germline): Uncertain significance (1 of 4 stars; one submission).

Conditions:
Hereditary cancer-predisposing syndrome. Also called: Neoplastic Syndromes, Hereditary; Tumor predisposition; Hereditary Cancer Syndrome; Hereditary neoplastic syndrome. Identifiers: Orphanet 140162, MedGen C0027672, MeSH D009386, MONDO:0015356.

Submission:

Ambry Genetics
Classification: Uncertain significance for Hereditary cancer-predisposing syndrome. Last evaluated: 2026-03-11. Review status: criteria provided, single submitter. Criteria: Ambry Variant Classification Scheme 2023. Collection method: clinical testing. Allele origin: germline.
Comment: The p.E645K variant (also known as c.1933G>A), located in coding exon 17 of the MRE11A gene, results from a G to A substitution at nucleotide position 1933. The glutamic acid at codon 645 is replaced by lysine, an amino acid with similar properties. This amino acid position is conserved. In addition, this alteration is predicted to be tolerated by in silico analysis. Based on the available evidence, the clinical significance of this variant remains unclear.

NM_005591.4(MRE11):c.1933G>A (p.Glu645Lys)

Gene: MRE11 (MRE11 double strand break repair nuclease; minus strand). Cytogenetic location: 11q21.
Variant type: single nucleotide variant.
Coding change: c.1933G>A on transcript NM_005591.4 (MANE Select); coding-DNA position 1933, G replaced by A.
Protein change: p.Glu645Lys; replaces glutamic acid 645 with lysine.
Molecular consequence: missense variant. On other transcripts: intron variant (1).
Genome position (GRCh38, 1-based): chr11:94,435,893, C>T on the plus strand (G>A on the coding strand, the complement: MRE11 is on the minus strand). VCF-style: chr11-94435893-C-T. GRCh37 (hg19) VCF-style: chr11-94169059-C-T.
Other names: c.1930G>A, p.Glu644Lys (NM_001330347.2, NM_001440464.1, NM_001440465.1); c.1933G>A, p.Glu645Lys (NM_001440460.1, NM_001440461.1, NM_001440462.1 and 1 more transcripts); c.1849G>A, p.Glu617Lys (NM_001440466.1, NM_001440474.1, NM_001440475.1 and 4 more transcripts); c.1870G>A, p.Glu624Lys (NM_001440467.1, NM_001440468.1, NM_001440469.1); c.1867G>A, p.Glu623Lys (NM_001440470.1); c.1858G>A, p.Glu620Lys (NM_001440471.1); c.1855G>A, p.Glu619Lys (NM_001440472.1); c.1852G>A, p.Glu618Lys (NM_001440473.1); and 6 more; short protein forms E529K, E596K, E617K, E645K, E618K, E623K, E644K, E489K.
Identifiers: ClinVar variation 4826833 (VCV004826833.1).
Genomic context (GRCh38, chr11:94,435,893, plus strand): 5'-TTTGATCTGTCTTTGAAGTGGTAGGAAAAATGTCTTCTTCCACATCTGATTCATCTACCT[C>T]AATCACCTGGCAAGGAAACAAAGCAACAAACAGTTTTTGTGAGAATAGACTCTGAATAAA-3'
Protein context (NP_005582.1, residues 635-655): VTTKNYSEVI[Glu645Lys]VDESDVEEDI